The following is an entry in ClinVar:

NM_198271.5(LMOD3):c.1637G>T (p.Ser546Ile)

Gene: LMOD3 (leiomodin 3; minus strand). Cytogenetic location: 3p14.1.
Variant type: single nucleotide variant.
Coding change: c.1637G>T on transcript NM_198271.5 (MANE Select); coding-DNA position 1637, G replaced by T.
Protein change: p.Ser546Ile; replaces serine 546 with isoleucine.
Molecular consequence: missense variant.
Genome position (GRCh38, 1-based): chr3:69,118,718, C>A on the plus strand (G>T on the coding strand, the complement: LMOD3 is on the minus strand). VCF-style: chr3-69118718-C-A. GRCh37 (hg19) VCF-style: chr3-69167869-C-A.
Other names: c.1637G>T, p.Ser546Ile (NM_001304418.3); short protein forms S546I.
Identifiers: ClinVar variation 3364341 (VCV003364341.1).

ClinVar aggregate classification (germline): Uncertain significance (1 of 4 stars; one submission).

Submission:

GeneDx
Classification: Uncertain significance. Last evaluated: 2023-11-22. Review status: criteria provided, single submitter. Criteria: GeneDx Variant Classification Process June 2021. Collection method: clinical testing. Allele origin: germline. Affected: yes.
Comment: Not observed at significant frequency in large population cohorts (gnomAD); In silico analysis supports that this missense variant has a deleterious effect on protein structure/function; Has not been previously published as pathogenic or benign to our knowledge